The following is an entry in ClinVar:

ClinVar aggregate classification (germline): Pathogenic (1 of 4 stars; one submission).

Conditions:
Microcephaly, normal intelligence and immunodeficiency (NBS). Also called: BERLIN BREAKAGE SYNDROME; Immunodeficiency, microcephaly with normal intelligence; IMMUNODEFICIENCY, MICROCEPHALY, AND CHROMOSOMAL INSTABILITY; SEEMANOVA SYNDROME II; Nijmegen breakage syndrome; Microcephaly with normal intelligence immunodeficiency and lymphoreticular malignancies. Identifiers: Orphanet 647, MedGen C0398791, MONDO:0009623, OMIM 251260.

Submission:

Labcorp Genetics (formerly Invitae), Labcorp
Classification: Pathogenic for Microcephaly, normal intelligence and immunodeficiency. Last evaluated: 2022-09-14. Review status: criteria provided, single submitter. Criteria: Invitae Variant Classification Sherloc (09022015). Collection method: clinical testing. Allele origin: unknown.
Comment: For these reasons, this variant has been classified as Pathogenic. This variant has not been reported in the literature in individuals affected with NBN-related conditions. This variant is a gross deletion of the genomic region encompassing exon(s) 1-4 of the NBN gene, which includes the initiator codon. This deletion extends beyond the assayed region for this gene and therefore may encompass additional genes. It is expected to result in an absent or disrupted protein product. Loss-of-function variants in NBN are known to be pathogenic (PMID: 9590180, 16415040).

Literature cited by the submitters: PubMed 9590180; PubMed 16415040.

NC_000008.10:g.(?_90992952)_(90996789_?)del

Gene: NBN (nibrin; minus strand). Cytogenetic location: 8q21.3.
Variant type: Deletion.
Identifiers: ClinVar variation 3245495 (VCV003245495.1).